The following is an entry in ClinVar:

ClinVar aggregate classification (germline): Uncertain significance (1 of 4 stars; one submission).

Submission:

Labcorp Genetics (formerly Invitae), Labcorp
Classification: Uncertain significance. Last evaluated: 2022-09-13. Review status: criteria provided, single submitter. Criteria: Invitae Variant Classification Sherloc (09022015). Collection method: clinical testing. Allele origin: germline.
Comment: This sequence change replaces proline, which is neutral and non-polar, with leucine, which is neutral and non-polar, at codon 1134 of the RTTN protein (p.Pro1134Leu). This variant is not present in population databases (gnomAD no frequency). This variant has not been reported in the literature in individuals affected with RTTN-related conditions. Advanced modeling of protein sequence and biophysical properties (such as structural, functional, and spatial information, amino acid conservation, physicochemical variation, residue mobility, and thermodynamic stability) performed at Invitae indicates that this missense variant is expected to disrupt RTTN protein function. In summary, the available evidence is currently insufficient to determine the role of this variant in disease. Therefore, it has been classified as a Variant of Uncertain Significance.

NM_173630.4(RTTN):c.3401C>T (p.Pro1134Leu)

Gene: RTTN (rotatin; minus strand). Cytogenetic location: 18q22.2.
Variant type: single nucleotide variant.
Coding change: c.3401C>T on transcript NM_173630.4 (MANE Select); coding-DNA position 3401, C replaced by T.
Protein change: p.Pro1134Leu; replaces proline 1134 with leucine.
Molecular consequence: missense variant.
Genome position (GRCh38, 1-based): chr18:70,121,683, G>A on the plus strand (C>T on the coding strand, the complement: RTTN is on the minus strand). VCF-style: chr18-70121683-G-A. GRCh37 (hg19) VCF-style: chr18-67788919-G-A.
Other names: c.665C>T, p.Pro222Leu (NM_001318520.2); short protein forms P222L, P1134L.
Identifiers: ClinVar variation 2127985 (VCV002127985.4), dbSNP rs751565369, ClinGen allele CA402692123.